The following is an entry in ClinVar:

ClinVar aggregate classification (germline): Uncertain significance (1 of 4 stars; one submission).

Conditions:
Perlman syndrome (PRLMNS). Identifiers: Orphanet 2849, MedGen C0796113, MONDO:0009965, OMIM 267000.

gnomAD v4.1: 5 of 1,614,068 alleles (0.00031%); highest among the groups gnomAD compares: Non-Finnish European, 0.00042%; no homozygotes.

Submission:

Labcorp Genetics (formerly Invitae), Labcorp
Classification: Uncertain significance for Perlman syndrome. Last evaluated: 2022-06-03. Review status: criteria provided, single submitter. Criteria: Invitae Variant Classification Sherloc (09022015). Collection method: clinical testing. Allele origin: germline.
Comment: This sequence change replaces phenylalanine, which is neutral and non-polar, with leucine, which is neutral and non-polar, at codon 262 of the DIS3L2 protein (p.Phe262Leu). This variant is not present in population databases (gnomAD no frequency). This variant has not been reported in the literature in individuals affected with DIS3L2-related conditions. Algorithms developed to predict the effect of missense changes on protein structure and function (SIFT, PolyPhen-2, Align-GVGD) all suggest that this variant is likely to be tolerated. In summary, the available evidence is currently insufficient to determine the role of this variant in disease. Therefore, it has been classified as a Variant of Uncertain Significance.

NM_152383.5(DIS3L2):c.786T>G (p.Phe262Leu)

Gene: DIS3L2 (DIS3 like 3'-5' exoribonuclease 2; plus strand). Cytogenetic location: 2q37.1.
Variant type: single nucleotide variant.
Coding change: c.786T>G on transcript NM_152383.5 (MANE Select); coding-DNA position 786, T replaced by G.
Protein change: p.Phe262Leu; replaces phenylalanine 262 with leucine.
Molecular consequence: missense variant. On other transcripts: non-coding transcript variant (1).
Genome position (GRCh38, 1-based): chr2:232,136,555, T>G. VCF-style: chr2-232136555-T-G. GRCh37 (hg19) VCF-style: chr2-233001265-T-G.
Other names: c.786T>G, p.Phe262Leu (NM_001257281.2); short protein forms F262L.
Identifiers: ClinVar variation 2142457 (VCV002142457.4), dbSNP rs1033352725, ClinGen allele CA351153587.